The following is an entry in ClinVar:

NM_000168.6(GLI3):c.371CTC[1] (p.Pro125del)

Gene: GLI3 (GLI family zinc finger 3; minus strand). Cytogenetic location: 7p14.1.
Variant type: Microsatellite.
Coding change: c.371CTC[1] on transcript NM_000168.6 (MANE Select); one copy of the 3-base unit CTC starting at c.371; the reference has two copies in a row; one copy, 3 bases deleted.
Protein change: p.Pro125del; deletes proline 125.
Molecular consequence: inframe deletion.
Genome position (GRCh38, 1-based): chr7:42,076,849-42,076,851, GAG deleted on the plus strand (CTC on the coding strand, the reverse complement: GLI3 is on the minus strand); deleting any 3 consecutive bases within chr7:42,076,849-42,076,855 gives the same sequence; the position shown is the placement nearest the transcript's 3' end. VCF-style (leftmost placement, unchanged base first): chr7-42076848-TGAG-T. GRCh37 (hg19) VCF-style: chr7-42116447-TGAG-T.
Other names: short protein forms P125del.
Identifiers: ClinVar variation 2635704 (VCV002635704.2), dbSNP rs754571520, ClinGen allele CA4231207.
Genomic context (GRCh38, chr7:42,076,848, plus strand): 5'-TAACGGCCCTCATGATGTCTGGCATCAATTGGTACAGGAGGATGGAAGGCAGGGAAAAGA[TGAG>T]GAGGGTCTGAAAAGAAGAGAGAGCCCAATCTATATCAAATGAACACTTTCAAACAGCATT-3'

ClinVar aggregate classification (germline): Uncertain significance (1 of 4 stars; one submission).

Conditions:
GLI3-related disorder. Also called: GLI3-related condition; GLI3-related disorders. Identifiers: MedGen CN239292.

Submission:

PreventionGenetics, part of Exact Sciences
Classification: Uncertain significance for GLI3-related condition. Last evaluated: 2026-03-24. Review status: criteria provided, single submitter. Criteria: ACMG Guidelines, 2015. Collection method: clinical testing. Allele origin: germline.
Comment: The GLI3 c.374_376delCTC variant is predicted to result in an in-frame deletion (p.Pro125del). To our knowledge, this variant has not been reported in the literature. This variant is reported in 0.0018% of alleles in individuals of European (Non-Finnish) descent in gnomAD. At this time, the clinical significance of this variant is uncertain due to the absence of conclusive functional and genetic evidence.